The following is an entry in ClinVar:

NM_019892.6(INPP5E):c.1118T>C (p.Met373Thr)

Gene: INPP5E (inositol polyphosphate-5-phosphatase E; minus strand). Cytogenetic location: 9q34.3.
Variant type: single nucleotide variant.
Coding change: c.1118T>C on transcript NM_019892.6 (MANE Select); coding-DNA position 1118, T replaced by C.
Protein change: p.Met373Thr; replaces methionine 373 with threonine.
Molecular consequence: missense variant.
Genome position (GRCh38, 1-based): chr9:136,433,196, A>G on the plus strand (T>C on the coding strand, the complement: INPP5E is on the minus strand). VCF-style: chr9-136433196-A-G. GRCh37 (hg19) VCF-style: chr9-139327648-A-G.
Other names: c.1118T>C, p.Met373Thr (NM_001318502.2); short protein forms M373T.
Identifiers: ClinVar variation 1354880 (VCV001354880.8), dbSNP rs971174374, ClinGen allele CA201643156.

ClinVar aggregate classification (germline): Uncertain significance (1 of 4 stars; one submission).

Conditions:
Joubert syndrome. Also called: CEREBELLOPARENCHYMAL DISORDER IV; JOUBERT-BOLTSHAUSER SYNDROME; Familial aplasia of the vermis. Identifiers: Orphanet 475, MedGen C5979921, MONDO:0018772.

Submission:

Labcorp Genetics (formerly Invitae), Labcorp
Classification: Uncertain significance for Joubert syndrome. Last evaluated: 2022-08-09. Review status: criteria provided, single submitter. Criteria: Invitae Variant Classification Sherloc (09022015). Collection method: clinical testing. Allele origin: germline.
Comment: In summary, the available evidence is currently insufficient to determine the role of this variant in disease. Therefore, it has been classified as a Variant of Uncertain Significance. Advanced modeling of protein sequence and biophysical properties (such as structural, functional, and spatial information, amino acid conservation, physicochemical variation, residue mobility, and thermodynamic stability) performed at Invitae indicates that this missense variant is expected to disrupt INPP5E protein function. ClinVar contains an entry for this variant (Variation ID: 1354880). This variant has not been reported in the literature in individuals affected with INPP5E-related conditions. This variant is not present in population databases (gnomAD no frequency). This sequence change replaces methionine, which is neutral and non-polar, with threonine, which is neutral and polar, at codon 373 of the INPP5E protein (p.Met373Thr).